The following is an entry in ClinVar:

ClinVar aggregate classification (germline): Uncertain significance. Review status: criteria provided, multiple submitters, no conflicts (2 of 4 stars). 3 submissions from 3 submitters: Uncertain significance (3). Last evaluated 2025-01-13.

Conditions:
Inborn genetic diseases. Identifiers: MedGen C0950123, MeSH D030342.

Allele frequency attached by ClinVar (database versions not stated): gnomAD exomes below 0.00001; TOPMed 0.00001.

Submissions (3):

Ambry Genetics
Classification: Uncertain significance for Inborn genetic diseases. Last evaluated: 2025-01-13. Review status: criteria provided, single submitter. Criteria: Ambry Variant Classification Scheme 2023. Collection method: clinical testing. Allele origin: germline.
Comment: The p.D1357N variant (also known as c.4069G>A), located in coding exon 1 of the SAMD9 gene, results from a G to A substitution at nucleotide position 4069. The aspartic acid at codon 1357 is replaced by asparagine, an amino acid with highly similar properties. This amino acid position is conserved. In addition, this alteration is predicted to be tolerated by in silico analysis. Based on the available evidence, the clinical significance of this variant remains unclear.

Labcorp Genetics (formerly Invitae), Labcorp
Classification: Uncertain significance. Last evaluated: 2023-11-13. Review status: criteria provided, single submitter. Criteria: Invitae Variant Classification Sherloc (09022015). Collection method: clinical testing. Allele origin: germline.
Comment: This sequence change replaces aspartic acid, which is acidic and polar, with asparagine, which is neutral and polar, at codon 1357 of the SAMD9 protein (p.Asp1357Asn). This variant is present in population databases (no rsID available, gnomAD 0.006%). This variant has not been reported in the literature in individuals affected with SAMD9-related conditions. ClinVar contains an entry for this variant (Variation ID: 2498042). Advanced modeling of protein sequence and biophysical properties (such as structural, functional, and spatial information, amino acid conservation, physicochemical variation, residue mobility, and thermodynamic stability) performed at Invitae indicates that this missense variant is not expected to disrupt SAMD9 protein function with a negative predictive value of 95%. In summary, the available evidence is currently insufficient to determine the role of this variant in disease. Therefore, it has been classified as a Variant of Uncertain Significance.

GeneDx
Classification: Uncertain significance. Last evaluated: 2022-10-06. Review status: criteria provided, single submitter. Criteria: GeneDx Variant Classification Process June 2021. Collection method: clinical testing. Allele origin: germline. Affected: yes.
Comment: Not observed at significant frequency in large population cohorts (gnomAD); In silico analysis supports that this missense variant does not alter protein structure/function; Has not been previously published as pathogenic or benign to our knowledge

NM_017654.4(SAMD9):c.4069G>A (p.Asp1357Asn)

Gene: SAMD9 (sterile alpha motif domain containing 9; minus strand). Cytogenetic location: 7q21.2.
Variant type: single nucleotide variant.
Coding change: c.4069G>A on transcript NM_017654.4 (MANE Select); coding-DNA position 4069, G replaced by A.
Protein change: p.Asp1357Asn; replaces aspartic acid 1357 with asparagine.
Molecular consequence: missense variant.
Genome position (GRCh38, 1-based): chr7:93,102,029, C>T on the plus strand (G>A on the coding strand, the complement: SAMD9 is on the minus strand). VCF-style: chr7-93102029-C-T. GRCh37 (hg19) VCF-style: chr7-92731342-C-T.
Other names: c.4069G>A, p.Asp1357Asn (NM_001193307.2); short protein forms D1357N.
Identifiers: ClinVar variation 2498042 (VCV002498042.6), dbSNP rs1222464630, ClinGen allele CA368180755.